The following is an entry in ClinVar:

ClinVar aggregate classification (germline): Uncertain significance (1 of 4 stars; one submission).

Submission:

Labcorp Genetics (formerly Invitae), Labcorp
Classification: Uncertain significance. Last evaluated: 2024-05-21. Review status: criteria provided, single submitter. Criteria: Invitae Variant Classification Sherloc (09022015). Collection method: clinical testing. Allele origin: germline.
Comment: This sequence change replaces phenylalanine, which is neutral and non-polar, with serine, which is neutral and polar, at codon 348 of the POLE protein (p.Phe348Ser). This variant is not present in population databases (gnomAD no frequency). This variant has not been reported in the literature in individuals affected with POLE-related conditions. Advanced modeling of protein sequence and biophysical properties (such as structural, functional, and spatial information, amino acid conservation, physicochemical variation, residue mobility, and thermodynamic stability) performed at Invitae indicates that this missense variant is expected to disrupt POLE protein function with a positive predictive value of 80%. In summary, the available evidence is currently insufficient to determine the role of this variant in disease. Therefore, it has been classified as a Variant of Uncertain Significance.

NM_006231.4(POLE):c.1043T>C (p.Phe348Ser)

Gene: POLE (DNA polymerase epsilon, catalytic subunit; minus strand). Cytogenetic location: 12q24.33.
Variant type: single nucleotide variant.
Coding change: c.1043T>C on transcript NM_006231.4 (MANE Select); coding-DNA position 1043, T replaced by C.
Protein change: p.Phe348Ser; replaces phenylalanine 348 with serine.
Molecular consequence: missense variant.
Genome position (GRCh38, 1-based): chr12:132,675,798, A>G on the plus strand (T>C on the coding strand, the complement: POLE is on the minus strand). VCF-style: chr12-132675798-A-G. GRCh37 (hg19) VCF-style: chr12-133252384-A-G.
Other names: short protein forms F348S.
Identifiers: ClinVar variation 2768971 (VCV002768971.3), dbSNP rs2136011816, ClinGen allele CA387361735.